The following is an entry in ClinVar:

NM_001009944.3(PKD1):c.11337C>G (p.Ser3779Arg)

Genes: PKD1 (polycystin 1, transient receptor potential channel interacting; minus strand), PKD1-AS1 (PKD1 antisense RNA 1; plus strand). Cytogenetic location: 16p13.3.
Variant type: single nucleotide variant.
Coding change: c.11337C>G on transcript NM_001009944.3 (MANE Select); coding-DNA position 11337, C replaced by G.
Protein change: p.Ser3779Arg; replaces serine 3779 with arginine.
Molecular consequence: missense variant.
Genome position (GRCh38, 1-based): chr16:2,092,121, G>C on the plus strand (C>G on the coding strand, the complement: PKD1 is on the minus strand). VCF-style: chr16-2092121-G-C. GRCh37 (hg19) VCF-style: chr16-2142122-G-C.
Other names: p.Ser3779Arg; c.11334C>G, p.Ser3778Arg (NM_000296.4); short protein forms S3779R, S3778R.
Identifiers: ClinVar variation 256900 (VCV000256900.5), dbSNP rs116835405, ClinGen allele CA7829185.

ClinVar aggregate classification (germline): Benign/Likely benign. Review status: criteria provided, multiple submitters, no conflicts (2 of 4 stars). 4 submissions from 4 submitters: Benign (1); Likely benign (2). 1 of the submissions does not count toward it. Last evaluated 2025-09-18.

Conditions:
Polycystic kidney disease. Also called: Polycystic kidney dysplasia; Kidney, Polycystic. Identifiers: MedGen C0022680, MeSH D007690, MONDO:0020642, HP:0000113.

Allele frequency attached by ClinVar (database versions not stated): gnomAD exomes 0.00077; ExAC 0.00092; ESP Exome Variant Server 0.00277; gnomAD 0.00292 and 0.00308; 1000 Genomes Project 0.00300; 1000 Genomes Project 30x 0.00328; TOPMed 0.00338.
gnomAD v4.1: 870 of 1,612,838 alleles (0.054%); highest among the groups gnomAD compares: African/African-American, 1%; 5 homozygotes.

Submissions (4):

Mayo Clinic Laboratories, Mayo Clinic
Classification: Likely benign. Last evaluated: 2025-09-18. Review status: criteria provided, single submitter. Criteria: ACMG Guidelines, 2015. Collection method: clinical testing. Allele origin: germline. Observed: 1 variant allele.
Comment: BS1, BP4

Blueprint Genetics
Classification: Likely benign. Last evaluated: 2024-09-11. Review status: criteria provided, single submitter. Criteria: ACMG Guidelines, 2015. Collection method: clinical testing. Allele origin: germline.

PreventionGenetics, part of Exact Sciences
Classification: Benign. Review status: criteria provided, single submitter. Criteria: ACMG Guidelines, 2015. Collection method: clinical testing. Allele origin: germline.

Department of Pathology and Laboratory Medicine, Sinai Health System
Classification: Likely benign for Polycystic Kidney disease. Review status: no assertion criteria provided. Collection method: clinical testing. Allele origin: unknown. Affected: yes. Observed: 1 variant allele. Study: The Canadian Open Genetics Repository (COGR). Not counted in ClinVar's aggregate classification.
Comment: The PKD1 p.Ser3779Arg variant was identified in 1 of 478 proband chromosomes (frequency: 0.002) from individuals or families with ADPKD (Rossetti 2007). The variant was also identified in dbSNP (ID: rs116835405) as â€šÃ„ÃºWith Benign alleleâ€šÃ„Ã¹, ClinVar (1x, as benign by Prevention Genetics), ADPKD Mutation Database (as likely neutral). The variant was not identified in LOVD 3.0, or PKD1-LOVD databases. The variant was identified in control databases in 275 of 276024 (2 homozygous) chromosomes at a frequency of 0.000996 in the following populations: African at a frequency greater than 1%: in 254 of 23886 chromosomes (freq: 0.011), other in 2 of 6463 chromosomes (freq. 0.00031), Latino in 12 of 34408 chromosomes (freq. 0.00034), European in 7 of 125816 chromosomes (freq. 0.000055), increasing the likelihood this could be a low frequency benign variant (Genome Aggregation Consortium Feb 27, 2017). The variant occurs outside of the splicing consensus sequence and in silico or computational prediction software programs (SpliceSiteFinder, MaxEntScan, NNSPLICE, GeneSplicer, HumanSpliceFinder) do not predict a difference in splicing. The variant is located with the Polycystin cation channel, PKD1/PKD2 functional domain(s) increasing the likelihood that it may have clinical significance. In summary, based on the above information the clinical significance of this variant cannot be determined with certainty at this time although we would lean towards a more benign role for this variant. This variant is classified as likely benign.